The following is an entry in ClinVar:

ClinVar aggregate classification (germline): Uncertain significance (1 of 4 stars; one submission).

gnomAD v4.1: 2 of 1,613,994 alleles (0.00012%); highest among the groups gnomAD compares: South Asian, 0.0022%; no homozygotes.

Submission:

GeneDx
Classification: Uncertain significance. Last evaluated: 2025-08-06. Review status: criteria provided, single submitter. Criteria: GeneDx Variant Classification Process June 2021. Collection method: clinical testing. Allele origin: germline. Affected: yes.
Comment: Not observed at significant frequency in large population cohorts (gnomAD); In silico analysis suggests that this missense variant does not alter protein structure/function; Has not been previously published as pathogenic or benign to our knowledge

NM_001378454.1(ALMS1):c.10319G>A (p.Arg3440Lys)

Gene: ALMS1 (ALMS1 centrosome and basal body associated protein; plus strand). Cytogenetic location: 2p13.1.
Variant type: single nucleotide variant.
Coding change: c.10319G>A on transcript NM_001378454.1 (MANE Select); coding-DNA position 10319, G replaced by A.
Protein change: p.Arg3440Lys; replaces arginine 3440 with lysine.
Molecular consequence: missense variant.
Genome position (GRCh38, 1-based): chr2:73,559,077, G>A. VCF-style: chr2-73559077-G-A. GRCh37 (hg19) VCF-style: chr2-73786204-G-A.
Other names: c.10322G>A, p.Arg3441Lys (NM_015120.4); short protein forms R3440K, R3441K.
Identifiers: ClinVar variation 4755872 (VCV004755872.1).